The following is an entry in ClinVar:

NM_001103.4(ACTN2):c.1296G>A (p.Ala432=)

Gene: ACTN2 (actinin alpha 2; plus strand). Cytogenetic location: 1q43.
Variant type: single nucleotide variant.
Coding change: c.1296G>A on transcript NM_001103.4 (MANE Select); coding-DNA position 1296, G replaced by A.
Protein change: p.Ala432=; no amino-acid change (alanine 432 retained).
Molecular consequence: synonymous variant.
Genome position (GRCh38, 1-based): chr1:236,744,666, G>A. VCF-style: chr1-236744666-G-A. GRCh37 (hg19) VCF-style: chr1-236907966-G-A.
Other names: p.A432A:GCG>GCA; p.Ala432=; c.1296G>A, p.Ala432= (NM_001278343.2); c.672G>A, p.Ala224= (NM_001278344.2).
Identifiers: ClinVar variation 43899 (VCV000043899.30), dbSNP rs35956798, ClinGen allele CA133118.

ClinVar aggregate classification (germline): Benign/Likely benign. Review status: criteria provided, multiple submitters, no conflicts (2 of 4 stars). 11 submissions from 11 submitters: Benign (7); Likely benign (2). 2 of the submissions do not count toward it. Last evaluated 2026-02-04.

Conditions:
Cardiovascular phenotype. Identifiers: MedGen CN230736.
Dilated cardiomyopathy 1AA (CMD1AA). Also called: CARDIOMYOPATHY, DILATED, 1AA, WITH OR WITHOUT LEFT VENTRICULAR NONCOMPACTION; CARDIOMYOPATHY, FAMILIAL HYPERTROPHIC, 23, WITH OR WITHOUT LEFT VENTRICULAR NONCOMPACTION; Cardiomyopathy, dilated, 1AA, with or without LVNC. Identifiers: Orphanet 154, MedGen C2677338, MONDO:0012808, OMIM 612158.
Primary familial hypertrophic cardiomyopathy (HCM). Identifiers: Orphanet 99739, MedGen C0949658, MeSH D024741, MONDO:0024573. Inheritance: Various modes of inheritance.

Allele frequency attached by ClinVar (database versions not stated): gnomAD exomes 0.01574; ExAC 0.01825; 1000 Genomes Project 0.03474; 1000 Genomes Project 30x 0.03607; gnomAD 0.04111 and 0.04366; TOPMed 0.04605; ESP Exome Variant Server 0.04967.
gnomAD v4.1: 26,905 of 1,614,194 alleles (1.7%); highest among the groups gnomAD compares: African/African-American, 12%; 654 homozygotes.

Submissions (11):

Labcorp Genetics (formerly Invitae), Labcorp
Classification: Benign for Primary familial hypertrophic cardiomyopathy; Dilated cardiomyopathy 1AA. Last evaluated: 2026-02-04. Review status: criteria provided, single submitter. Criteria: Invitae Variant Classification Sherloc (09022015). Collection method: clinical testing. Allele origin: germline.

Molecular Diagnostic Laboratory for Inherited Cardiovascular Disease, Montreal Heart Institute
Classification: Benign. Last evaluated: 2025-04-09. Review status: criteria provided, single submitter. Criteria: ACMG Guidelines, 2015. Collection method: clinical testing. Allele origin: germline. Affected: no.

Blueprint Genetics
Classification: Likely benign. Last evaluated: 2024-11-26. Review status: criteria provided, single submitter. Criteria: ACMG Guidelines, 2015. Collection method: clinical testing. Allele origin: germline.

Ambry Genetics
Classification: Benign for Cardiovascular phenotype. Last evaluated: 2015-07-15. Review status: criteria provided, single submitter. Criteria: Ambry Variant Classification Scheme 2023. Collection method: clinical testing. Allele origin: germline.

Mayo Clinic Laboratories, Mayo Clinic
Classification: Benign. Last evaluated: 2014-08-06. Review status: criteria provided, single submitter. Criteria: ACMG Guidelines, 2015. Collection method: clinical testing. Allele origin: germline. Observed: 73 variant alleles.

GeneDx
Classification: Benign. Last evaluated: 2012-09-25. Review status: criteria provided, single submitter. Criteria: GeneDx Variant Classification (06012015). Collection method: clinical testing. Allele origin: germline. Affected: yes.
Comment: This variant is considered likely benign or benign based on one or more of the following criteria: it is a conservative change, it occurs at a poorly conserved position in the protein, it is predicted to be benign by multiple in silico algorithms, and/or has population frequency not consistent with disease.

Laboratory for Molecular Medicine, Mass General Brigham Personalized Medicine
Classification: Benign. Last evaluated: 2008-12-04. Review status: criteria provided, single submitter. Criteria: LMM Criteria. Collection method: clinical testing. Allele origin: germline. Observed: 158 variant alleles.

Breakthrough Genomics
Classification: Likely benign. Review status: criteria provided, single submitter. Criteria: ACMG Guidelines, 2015. Collection method: not provided. Allele origin: germline. Inheritance: Autosomal dominant inheritance. Affected: yes.

PreventionGenetics, part of Exact Sciences
Classification: Benign. Review status: criteria provided, single submitter. Criteria: ACMG Guidelines, 2015. Collection method: clinical testing. Allele origin: germline.

Clinical Genetics, Academic Medical Center
Classification: Benign. Review status: no assertion criteria provided. Collection method: clinical testing. Allele origin: germline. Affected: yes. Study: VKGL Data-share Consensus. Not counted in ClinVar's aggregate classification.

Genome Diagnostics Laboratory, University Medical Center Utrecht
Classification: Benign. Review status: no assertion criteria provided. Collection method: clinical testing. Allele origin: germline. Affected: yes. Study: VKGL Data-share Consensus. Not counted in ClinVar's aggregate classification.